The following is an entry in ClinVar:

NM_015386.3(COG4):c.1315-1G>A

Gene: COG4 (component of oligomeric golgi complex 4; minus strand). Cytogenetic location: 16q22.1.
Variant type: single nucleotide variant.
Coding change: c.1315-1G>A on transcript NM_015386.3 (MANE Select); the canonical splice acceptor site of the intron before coding-DNA position 1315, G replaced by A.
Molecular consequence: splice acceptor variant.
Genome position (GRCh38, 1-based): chr16:70,497,388, C>T on the plus strand (G>A on the coding strand, the complement: COG4 is on the minus strand). VCF-style: chr16-70497388-C-T. GRCh37 (hg19) VCF-style: chr16-70531291-C-T.
Other names: c.1303-1G>A (NM_001195139.2); c.889-1G>A (NM_001365426.1).
Identifiers: ClinVar variation 4884158 (VCV004884158.2).

ClinVar aggregate classification (germline): Likely pathogenic (1 of 4 stars; one submission).

Conditions:
COG4-congenital disorder of glycosylation. Also called: CONGENITAL DISORDER OF GLYCOSYLATION, TYPE IIj; CDG IIj; COG4-CDG. Identifiers: Orphanet 263501, MedGen C4303552, MONDO:0013281, OMIM 613489.

gnomAD v4.1: 1 of 1,612,766 alleles (0.000062%); highest among the groups gnomAD compares: African/African-American, 0.0013%; no homozygotes.

Submission:

Dasa
Classification: Likely pathogenic for COG4-congenital disorder of glycosylation. Last evaluated: 2025-10-19. Review status: criteria provided, single submitter. Criteria: DASA Assertion Criteria. Collection method: clinical testing. Allele origin: germline.
Comment: NM_015386.3(COG4):c.1315-1G>A affects a canonical splice site and is predicted to disrupt normal RNA splicing. Loss of function is an established disease mechanism for COG4-associated disorders. Also, this variant is rare in population databases. Based on the currently available evidence, this variant is classified as likely pathogenic.